The following is an entry in ClinVar:

NM_016734.3(PAX5):c.962C>G (p.Pro321Arg)

Gene: PAX5 (paired box 5; minus strand). Cytogenetic location: 9p13.2.
Variant type: single nucleotide variant.
Coding change: c.962C>G on transcript NM_016734.3 (MANE Select); coding-DNA position 962, C replaced by G.
Protein change: p.Pro321Arg; replaces proline 321 with arginine.
Molecular consequence: missense variant. On other transcripts: intron variant (6), non-coding transcript variant (2).
Genome position (GRCh38, 1-based): chr9:36,882,054, G>C on the plus strand (C>G on the coding strand, the complement: PAX5 is on the minus strand). VCF-style: chr9-36882054-G-C. GRCh37 (hg19) VCF-style: chr9-36882051-G-C.
Other names: c.713-35125C>G (NM_001280555.2); c.781-41418C>G (NM_001280550.2); c.781-35125C>G (NM_001280549.2); c.910+41301C>G (NM_001280552.2); c.911-35125C>G (NM_001280547.2); c.962C>G (NM_016734.1); c.962C>G, p.Pro321Arg (NM_001280548.2); c.833C>G, p.Pro278Arg (NM_001280553.2, NM_001280554.2); and 2 more; short protein forms P278R, P321R, P213R.
Identifiers: ClinVar variation 2799450 (VCV002799450.4), dbSNP rs577863510, ClinGen allele CA5058102.

ClinVar aggregate classification (germline): Uncertain significance. Review status: criteria provided, multiple submitters, no conflicts (2 of 4 stars). 2 submissions from 2 submitters: Uncertain significance (2). Last evaluated 2025-04-24.

Conditions:
Inborn genetic diseases. Identifiers: MedGen C0950123, MeSH D030342.

Allele frequency attached by ClinVar (database versions not stated): 1000 Genomes Project 0.00020; 1000 Genomes Project 30x 0.00031.
gnomAD v4.1: 6 of 1,612,110 alleles (0.00037%); highest among the groups gnomAD compares: South Asian, 0.0022%; no homozygotes.

Submissions (2):

Ambry Genetics
Classification: Uncertain significance for Inborn genetic diseases. Last evaluated: 2025-04-24. Review status: criteria provided, single submitter. Criteria: Ambry Variant Classification Scheme 2023. Collection method: clinical testing. Allele origin: germline.
Comment: The p.P321R variant (also known as c.962C>G), located in coding exon 8 of the PAX5 gene, results from a C to G substitution at nucleotide position 962. The proline at codon 321 is replaced by arginine, an amino acid with dissimilar properties. This amino acid position is conserved. In addition, this alteration is predicted to be deleterious by in silico analysis. Based on the available evidence, the clinical significance of this variant remains unclear.

Labcorp Genetics (formerly Invitae), Labcorp
Classification: Uncertain significance. Last evaluated: 2023-08-28. Review status: criteria provided, single submitter. Criteria: Invitae Variant Classification Sherloc (09022015). Collection method: clinical testing. Allele origin: germline.
Comment: In summary, the available evidence is currently insufficient to determine the role of this variant in disease. Therefore, it has been classified as a Variant of Uncertain Significance. This sequence change replaces proline, which is neutral and non-polar, with arginine, which is basic and polar, at codon 321 of the PAX5 protein (p.Pro321Arg). This variant is present in population databases (rs577863510, gnomAD 0.007%). This variant has not been reported in the literature in individuals affected with PAX5-related conditions. Advanced modeling of protein sequence and biophysical properties (such as structural, functional, and spatial information, amino acid conservation, physicochemical variation, residue mobility, and thermodynamic stability) performed at Invitae indicates that this missense variant is not expected to disrupt PAX5 protein function.